The following is an entry in ClinVar:

ClinVar aggregate classification (germline): Pathogenic (1 of 4 stars; one submission).

Submission:

Baylor Genetics
Classification: Pathogenic. Last evaluated: 2018-11-01. Review status: criteria provided, single submitter. Criteria: ACMG CNV Guidelines, 2011. Collection method: clinical testing. Allele origin: maternal. Observed: 1 variant allele.

GRCh37/hg19 Xp22.33-22.31(chrX:1-9298403)

Genes: ANOS1 (anosmin 1; minus strand), ARSD (arylsulfatase D; minus strand), ARSD-AS1 (ARSD antisense RNA 1; plus strand), ARSF (arylsulfatase F; plus strand), ARSH (arylsulfatase family member H; plus strand) and 15 more. Cytogenetic location: Xp22.33-22.31.
Variant type: copy number loss.
Identifiers: ClinVar variation 625641 (VCV000625641.1).